The following is an entry in ClinVar:

ClinVar aggregate classification (germline): Likely benign (1 of 4 stars; one submission).

Submission:

CeGaT Center for Human Genetics Tuebingen
Classification: Likely benign. Last evaluated: 2026-07-01. Review status: criteria provided, single submitter. Criteria: CeGaT Center For Human Genetics Tuebingen Variant Classification Criteria Version 2. Collection method: clinical testing. Allele origin: germline. Affected: yes. Observed: 1 variant allele.
Comment: TSEN54: PM2:Supporting, BP4, BP7

NM_207346.3(TSEN54):c.1194T>A (p.Pro398=)

Gene: TSEN54 (tRNA splicing endonuclease subunit 54; plus strand). Cytogenetic location: 17q25.1.
Variant type: single nucleotide variant.
Coding change: c.1194T>A on transcript NM_207346.3 (MANE Select); coding-DNA position 1194, T replaced by A.
Protein change: p.Pro398=; no amino-acid change (proline 398 retained).
Molecular consequence: synonymous variant.
Genome position (GRCh38, 1-based): chr17:75,522,275, T>A. VCF-style: chr17-75522275-T-A. GRCh37 (hg19) VCF-style: chr17-73518356-T-A.
Identifiers: ClinVar variation 5039637 (VCV005039637.1).
Genomic context (GRCh38, chr17:75,522,275, plus strand): 5'-GCGGGAGTACAAGGAGCTGCTGCAGCGGCGGCAGGTGCAGAGGAGCCAGCGCCGGGCCCC[T>A]CACCTGTGGGGCCAGCCCGTCACCCCGCTGCTGAGTCCTGGCCAGGCCAGCTCCCCAGGT-3'
Protein context (NP_997229.2, residues 388-408): RQVQRSQRRA[Pro398=]HLWGQPVTPL